The following is an entry in ClinVar:

NM_001164508.2(NEB):c.5574C>G (p.Tyr1858Ter)

Gene: NEB (nebulin; minus strand). Cytogenetic location: 2q23.3.
Variant type: single nucleotide variant.
Coding change: c.5574C>G on transcript NM_001164508.2 (MANE Select); coding-DNA position 5574, C replaced by G.
Protein change: p.Tyr1858Ter; replaces tyrosine 1858 with a stop codon.
Molecular consequence: nonsense.
Genome position (GRCh38, 1-based): chr2:151,663,737, G>C on the plus strand (C>G on the coding strand, the complement: NEB is on the minus strand). VCF-style: chr2-151663737-G-C. GRCh37 (hg19) VCF-style: chr2-152520251-G-C.
Other names: c.5574C>G, p.Tyr1858Ter (NM_001164507.2, NM_001271208.2, NM_004543.5); short protein forms Y1858*.
Identifiers: ClinVar variation 449501 (VCV000449501.18), dbSNP rs781185019, ClinGen allele CA1910337.
Genomic context (GRCh38, chr2:151,663,737, plus strand): 5'-CACACTGAGCATGTCCACCGGGGTGTGGAAGGAGGTCTTGGATTTCTCATATCCCTTCTT[G>C]TATTCCCGGTCTGACTGCATCTTGGCCACTTGCATGAAGTGCACCAGCTTGGGGTCATCT-3'

ClinVar aggregate classification (germline): Pathogenic. Review status: criteria provided, multiple submitters, no conflicts (2 of 4 stars). 5 submissions from 5 submitters: Pathogenic (4). 1 of the submissions does not count toward it. Last evaluated 2024-03-30.

Conditions:
Nemaline myopathy 2 (NEM2). Also called: Nemaline myopathy 2, autosomal recessive. Identifiers: MedGen C1850569, MONDO:0009725, OMIM 256030.
Nemaline myopathy. Also called: Myopathies, Nemaline. Identifiers: Orphanet 607, MedGen C0206157, MONDO:0018958.

Allele frequency attached by ClinVar (database versions not stated): gnomAD exomes below 0.00001 and 0.00001; ExAC 0.00002.
gnomAD v4.1: 1 of 1,613,792 alleles (0.000062%); highest among the groups gnomAD compares: Non-Finnish European, 0.000085%; no homozygotes.

Submissions (5):

Myriad Genetics, Inc.
Classification: Pathogenic for Nemaline myopathy 2. Last evaluated: 2024-03-30. Review status: criteria provided, single submitter. Criteria: Myriad Autosomal Dominant, Autosomal Recessive and X-Linked Classification Criteria (2023). Collection method: clinical testing. Allele origin: unknown.
Comment: NM_001271208.1(NEB):c.5574C>G(Y1858*) is expected to be pathogenic in the context of NEB-related nemaline myopathy. This variant is predicted to lead to an abnormal or absent protein product due to the creation of a premature termination codon in NEB, a gene where loss-of-function variants are known to be pathogenic. Please note: this variant was assessed in the context of healthy population screening.

Muscle and Diseases Team, Institut de Génétique et Biologie Moléculaire et Cellulaire
Classification: Pathogenic for Nemaline myopathy. Last evaluated: 2024-03-01. Review status: criteria provided, single submitter. Criteria: ACMG Guidelines, 2015. Collection method: research. Allele origin: maternal. Affected: yes. Observed: 1 variant allele.
Comment: PVS1+PS3+PM1+PM2+PP3+PP4+PP5

GeneDx
Classification: Pathogenic. Last evaluated: 2019-12-13. Review status: criteria provided, single submitter. Criteria: GeneDx Variant Classification Process June 2021. Collection method: clinical testing. Allele origin: germline. Affected: yes.
Comment: Nonsense variant predicted to result in protein truncation or nonsense mediated decay in a gene for which loss-of-function is a known mechanism of disease; Published functional studies demonstrate this variant induced nonsense-mediated decay (Bohm et al., 2013); Not observed at a significant frequency in large population cohorts (Lek et al., 2016); This variant is associated with the following publications: (PMID: 23826317, 24725366, 31230720)

Labcorp Genetics (formerly Invitae), Labcorp
Classification: Pathogenic for Nemaline myopathy 2. Last evaluated: 2019-02-11. Review status: criteria provided, single submitter. Criteria: Invitae Variant Classification Sherloc (09022015). Collection method: clinical testing. Allele origin: germline.
Comment: For these reasons, this variant has been classified as Pathogenic. Loss-of-function variants in NEB are known to be pathogenic (PMID: 25205138). This variant has been reported in combination with another NEB variant in an individual affected with NEB-related conditions (PMID: 23826317). This variant is present in population databases (rs781185019, ExAC 0.003%). This sequence change creates a premature translational stop signal (p.Tyr1858*) in the NEB gene. It is expected to result in an absent or disrupted protein product.

Natera, Inc.
Classification: Pathogenic for Nemaline myopathy type 2. Last evaluated: 2021-03-19. Review status: no assertion criteria provided. Collection method: clinical testing. Allele origin: germline. Not counted in ClinVar's aggregate classification.

Literature cited by the submitters: DOI 10.1186/s13073-024-01353-0 (cited by Muscle and Diseases Team, Institut de Génétique et Biologie Moléculaire et Cellulaire); PubMed 25205138 (cited by Muscle and Diseases Team, Institut de Génétique et Biologie Moléculaire et Cellulaire and Labcorp Genetics (formerly Invitae), Labcorp); PubMed 24725366 (cited by Muscle and Diseases Team, Institut de Génétique et Biologie Moléculaire et Cellulaire); PubMed 23826317 (cited by Muscle and Diseases Team, Institut de Génétique et Biologie Moléculaire et Cellulaire and Labcorp Genetics (formerly Invitae), Labcorp).